The following is an entry in ClinVar:

ClinVar aggregate classification (germline): Pathogenic (1 of 4 stars; one submission).

Conditions:
Inborn genetic diseases. Identifiers: MedGen C0950123, MeSH D030342.

Submission:

Ambry Genetics
Classification: Pathogenic for Inborn genetic diseases. Last evaluated: 2018-02-14. Review status: criteria provided, single submitter. Criteria: Ambry Variant Classification Scheme 2023. Collection method: clinical testing. Allele origin: germline.
Comment: The p.W1434* pathogenic mutation (also known as c.4301G>A), located in coding exon 22 of the SCN1A gene, results from a G to A substitution at nucleotide position 4301. This changes the amino acid from a tryptophan to a stop codon within coding exon 22. In one study, this mutation was reported as a de novo occurrence in an individual with severe myoclonic epilepsy of infancy (SMEI) (Zucca C et al. Arch. Neurol., 2008 Apr;65:489-94). In a different study, this mutation (c.4302G>A, which also results in p.W1434*) was found to be maternally inherited in an individual fulfilling diagnostic criteria for Dravet syndrome (Xu X et al. Hum. Mutat., 2015 Sep;36:861-72). In addition to the clinical data presented in the literature, this alteration is expected to result in loss of function by premature protein truncation or nonsense-mediated mRNA decay. As such, this alteration is interpreted as a disease-causing mutation.

Literature cited by the submitters: PubMed 18413471; PubMed 26096185.

NM_001165963.4(SCN1A):c.4301G>A (p.Trp1434Ter)

Genes: SCN1A (sodium voltage-gated channel alpha subunit 1; minus strand), LOC102724058 (uncharacterized LOC102724058; plus strand). Cytogenetic location: 2q24.3.
Variant type: single nucleotide variant.
Coding change: c.4301G>A on transcript NM_001165963.4 (MANE Select); coding-DNA position 4301, G replaced by A.
Protein change: p.Trp1434Ter; replaces tryptophan 1434 with a stop codon.
Molecular consequence: nonsense. On other transcripts: non-coding transcript variant (1).
Genome position (GRCh38, 1-based): chr2:165,999,760, C>T on the plus strand (G>A on the coding strand, the complement: SCN1A is on the minus strand). VCF-style: chr2-165999760-C-T. GRCh37 (hg19) VCF-style: chr2-166856270-C-T.
Other names: c.4217G>A, p.Trp1406Ter (NM_001165964.3, NM_001353957.2, NM_001353958.2); c.4301G>A, p.Trp1434Ter (NM_001202435.3, NM_001353948.2); c.4268G>A, p.Trp1423Ter (NM_001353949.2, NM_001353950.2, NM_001353951.2 and 2 more transcripts); c.4265G>A, p.Trp1422Ter (NM_001353954.2, NM_001353955.2); c.4214G>A, p.Trp1405Ter (NM_001353960.2); c.1859G>A, p.Trp620Ter (NM_001353961.2); short protein forms W1423*, W1434*, W1422*, W1405*, W1406*, W620*.
Identifiers: ClinVar variation 589796 (VCV000589796.6), dbSNP rs1559122263, ClinGen allele CA349049613.